The following is an entry in ClinVar:

ClinVar aggregate classification (germline): Uncertain significance (1 of 4 stars; one submission).

Conditions:
Fanconi anemia (FA). Also called: Fanconi's anemia. Identifiers: Orphanet 84, MedGen C0015625, MeSH D005199, MONDO:0019391.

Allele frequency attached by ClinVar (database versions not stated): gnomAD 0.00001; gnomAD exomes 0.00001 and 0.00003; TOPMed 0.00001; ExAC 0.00004.
gnomAD v4.1: 18 of 1,613,642 alleles (0.0011%); highest among the groups gnomAD compares: East Asian, 0.0022%; no homozygotes.

Submission:

Labcorp Genetics (formerly Invitae), Labcorp
Classification: Uncertain significance for Fanconi anemia. Last evaluated: 2021-12-08. Review status: criteria provided, single submitter. Criteria: Invitae Variant Classification Sherloc (09022015). Collection method: clinical testing. Allele origin: germline.
Comment: This sequence change replaces histidine, which is basic and polar, with tyrosine, which is neutral and polar, at codon 673 of the FANCI protein (p.His673Tyr). This variant is present in population databases (rs763866498, gnomAD 0.006%). This variant has not been reported in the literature in individuals affected with FANCI-related conditions. ClinVar contains an entry for this variant (Variation ID: 408259). Algorithms developed to predict the effect of missense changes on protein structure and function are either unavailable or do not agree on the potential impact of this missense change (SIFT: "Deleterious"; PolyPhen-2: "Possibly Damaging"; Align-GVGD: "Class C0"). In summary, the available evidence is currently insufficient to determine the role of this variant in disease. Therefore, it has been classified as a Variant of Uncertain Significance.

NM_001113378.2(FANCI):c.2017C>T (p.His673Tyr)

Gene: FANCI (FA complementation group I; plus strand). Cytogenetic location: 15q26.1.
Variant type: single nucleotide variant.
Coding change: c.2017C>T on transcript NM_001113378.2 (MANE Select); coding-DNA position 2017, C replaced by T.
Protein change: p.His673Tyr; replaces histidine 673 with tyrosine.
Molecular consequence: missense variant.
Genome position (GRCh38, 1-based): chr15:89,292,712, C>T. VCF-style: chr15-89292712-C-T. GRCh37 (hg19) VCF-style: chr15-89835943-C-T.
Other names: c.1738C>T, p.His580Tyr (NM_001376910.1); c.2017C>T, p.His673Tyr (NM_001376911.1, NM_018193.3); short protein forms H673Y, H580Y.
Identifiers: ClinVar variation 408259 (VCV000408259.4), dbSNP rs763866498, ClinGen allele CA7723260.
Genomic context (GRCh38, chr15:89,292,712, plus strand): 5'-CTCAAGAGTATTTAATTTACTTATTTTCTCCTACAGGATTATCTGCTGTGTTGTATTCAG[C>T]ATTGTTTGGCCTGGTATAAGAATACAGTCATACCCTTACAGCAGGGAGAGGAGGAAGAGG-3'
Protein context (NP_001106849.1, residues 663-683): PLDYLLCCIQ[His673Tyr]CLAWYKNTVI